The following is an entry in ClinVar:

NM_000179.3(MSH6):c.1686T>G (p.Asp562Glu)

Gene: MSH6 (mutS homolog 6; plus strand). Cytogenetic location: 2p16.3.
Variant type: single nucleotide variant.
Coding change: c.1686T>G on transcript NM_000179.3 (MANE Select); coding-DNA position 1686, T replaced by G.
Protein change: p.Asp562Glu; replaces aspartic acid 562 with glutamic acid.
Molecular consequence: missense variant. On other transcripts: non-coding transcript variant (4), intron variant (2).
Genome position (GRCh38, 1-based): chr2:47,799,669, T>G. VCF-style: chr2-47799669-T-G. GRCh37 (hg19) VCF-style: chr2-48026808-T-G.
Other names: c.1296T>G, p.Asp432Glu (NM_001281492.2); c.780T>G, p.Asp260Glu (NM_001281493.2, NM_001281494.2, NM_001406811.1 and 6 more transcripts); c.1782T>G, p.Asp594Glu (NM_001406795.1, NM_001406802.1); c.1686T>G, p.Asp562Glu (NM_001406796.1, NM_001406798.1, NM_001406800.1 and 3 more transcripts); c.1389T>G, p.Asp463Glu (NM_001406797.1, NM_001406801.1, NM_001406805.1 and 10 more transcripts); c.1161T>G, p.Asp387Glu (NM_001406799.1, NM_001406806.1, NM_001406807.1); c.1608T>G, p.Asp536Glu (NM_001406804.1); c.1692T>G, p.Asp564Glu (NM_001406813.1); and 3 more; short protein forms D387E, D432E, D562E, D506E, D536E, D564E, D594E, D260E.
Identifiers: ClinVar variation 3701866 (VCV003701866.2).

ClinVar aggregate classification (germline): Uncertain significance (1 of 4 stars; one submission).

Conditions:
Hereditary nonpolyposis colorectal neoplasms. Identifiers: MedGen C0009405, MeSH D003123.

Submission:

Labcorp Genetics (formerly Invitae), Labcorp
Classification: Uncertain significance for Hereditary nonpolyposis colorectal neoplasms. Last evaluated: 2024-08-20. Review status: criteria provided, single submitter. Criteria: Invitae Variant Classification Sherloc (09022015). Collection method: clinical testing. Allele origin: germline.
Comment: This sequence change replaces aspartic acid, which is acidic and polar, with glutamic acid, which is acidic and polar, at codon 562 of the MSH6 protein (p.Asp562Glu). This variant is not present in population databases (gnomAD no frequency). This variant has not been reported in the literature in individuals affected with MSH6-related conditions. Invitae Evidence Modeling of protein sequence and biophysical properties (such as structural, functional, and spatial information, amino acid conservation, physicochemical variation, residue mobility, and thermodynamic stability) indicates that this missense variant is not expected to disrupt MSH6 protein function with a negative predictive value of 95%. In summary, the available evidence is currently insufficient to determine the role of this variant in disease. Therefore, it has been classified as a Variant of Uncertain Significance.